The following is an entry in ClinVar:

NM_003482.4(KMT2D):c.5539G>A (p.Glu1847Lys)

Gene: KMT2D (lysine methyltransferase 2D; minus strand). Cytogenetic location: 12q13.12.
Variant type: single nucleotide variant.
Coding change: c.5539G>A on transcript NM_003482.4 (MANE Select); coding-DNA position 5539, G replaced by A.
Protein change: p.Glu1847Lys; replaces glutamic acid 1847 with lysine.
Molecular consequence: missense variant.
Genome position (GRCh38, 1-based): chr12:49,043,181, C>T on the plus strand (G>A on the coding strand, the complement: KMT2D is on the minus strand). VCF-style: chr12-49043181-C-T. GRCh37 (hg19) VCF-style: chr12-49436964-C-T.
Other names: short protein forms E1847K.
Identifiers: ClinVar variation 3635150 (VCV003635150.2).

ClinVar aggregate classification (germline): Uncertain significance (1 of 4 stars; one submission).

Conditions:
Kabuki syndrome. Also called: NIIKAWA-KUROKI SYNDROME; Kabuki make-up syndrome. Identifiers: Orphanet 2322, MedGen C0796004, MONDO:0016512.

Submission:

Labcorp Genetics (formerly Invitae), Labcorp
Classification: Uncertain significance for Kabuki syndrome. Last evaluated: 2024-10-09. Review status: criteria provided, single submitter. Criteria: Invitae Variant Classification Sherloc (09022015). Collection method: clinical testing. Allele origin: germline.
Comment: This sequence change replaces glutamic acid, which is acidic and polar, with lysine, which is basic and polar, at codon 1847 of the KMT2D protein (p.Glu1847Lys). This variant is not present in population databases (gnomAD no frequency). This variant has not been reported in the literature in individuals affected with KMT2D-related conditions. Invitae Evidence Modeling of protein sequence and biophysical properties (such as structural, functional, and spatial information, amino acid conservation, physicochemical variation, residue mobility, and thermodynamic stability) indicates that this missense variant is not expected to disrupt KMT2D protein function with a negative predictive value of 95%. In summary, the available evidence is currently insufficient to determine the role of this variant in disease. Therefore, it has been classified as a Variant of Uncertain Significance.